The following is an entry in ClinVar:

ClinVar aggregate classification (germline): Uncertain significance (1 of 4 stars; one submission).

Conditions:
Autoimmune enteropathy and endocrinopathy - susceptibility to chronic infections syndrome. Also called: Immunodeficiency 31C; Immunodeficiency 31C, autosomal dominant. Identifiers: Orphanet 391487, MedGen C3279990, MONDO:0013599, OMIM 614162.
Immunodeficiency 31B. Also called: IMMUNODEFICIENCY 31B, MYCOBACTERIAL AND VIRAL INFECTIONS, AUTOSOMAL RECESSIVE; STAT1 DEFICIENCY, AUTOSOMAL RECESSIVE. Identifiers: Orphanet 391311, MedGen C3151088, MONDO:0013427, OMIM 613796.
Mendelian susceptibility to mycobacterial diseases due to partial STAT1 deficiency. Also called: IMMUNODEFICIENCY 31A, MYCOBACTERIOSIS, AUTOSOMAL DOMINANT; STAT1 DEFICIENCY, AUTOSOMAL DOMINANT; Immunodeficiency 31a. Identifiers: Orphanet 319595, MedGen C4013950, MONDO:0013956, OMIM 614892.

Submission:

Labcorp Genetics (formerly Invitae), Labcorp
Classification: Uncertain significance for Mendelian susceptibility to mycobacterial diseases due to partial STAT1 deficiency; Immunodeficiency 31B; Autoimmune enteropathy and endocrinopathy - susceptibility to chronic infections syndrome. Last evaluated: 2025-02-20. Review status: criteria provided, single submitter. Criteria: Invitae Variant Classification Sherloc (09022015). Collection method: clinical testing. Allele origin: germline.
Comment: This sequence change falls in intron 15 of the STAT1 gene. It does not directly change the encoded amino acid sequence of the STAT1 protein. It affects a nucleotide within the consensus splice site. This variant is not present in population databases (gnomAD no frequency). This variant has not been reported in the literature in individuals affected with STAT1-related conditions. ClinVar contains an entry for this variant (Variation ID: 966259). Variants that disrupt the consensus splice site are a relatively common cause of aberrant splicing (PMID: 17576681, 9536098). Algorithms developed to predict the effect of sequence changes on RNA splicing suggest that this variant may disrupt the consensus splice site. In summary, the available evidence is currently insufficient to determine the role of this variant in disease. Therefore, it has been classified as a Variant of Uncertain Significance.

Literature cited by the submitters: PubMed 17576681; PubMed 9536098.

NM_007315.4(STAT1):c.1263+4A>G

Gene: STAT1 (signal transducer and activator of transcription 1; minus strand). Cytogenetic location: 2q32.2.
Variant type: single nucleotide variant.
Coding change: c.1263+4A>G on transcript NM_007315.4 (MANE Select); 4 bases into the intron after coding-DNA position 1263, A replaced by G.
Molecular consequence: intron variant.
Genome position (GRCh38, 1-based): chr2:190,985,615, T>C on the plus strand (A>G on the coding strand, the complement: STAT1 is on the minus strand). VCF-style: chr2-190985615-T-C. GRCh37 (hg19) VCF-style: chr2-191850341-T-C.
Other names: c.1173+4A>G (NM_001384890.1); c.1164+4A>G (NM_001384883.1); c.1104+4A>G (NM_001384885.1); c.1170+4A>G (NM_001384887.1); c.1203+4A>G (NM_001384880.1); c.1233+4A>G (NM_001384888.1); c.1257+4A>G (NM_001384882.1); c.1263+4A>G (NM_001384889.1, NM_001384886.1, NM_139266.3); and 2 more.
Identifiers: ClinVar variation 966259 (VCV000966259.7), dbSNP rs1692742284, ClinGen allele CA1139657581.